The following is an entry in ClinVar:

NM_032043.3(BRIP1):c.3242C>T (p.Ala1081Val)

Gene: BRIP1 (BRCA1 interacting DNA helicase 1; minus strand). Cytogenetic location: 17q23.2.
Variant type: single nucleotide variant.
Coding change: c.3242C>T on transcript NM_032043.3 (MANE Select); coding-DNA position 3242, C replaced by T.
Protein change: p.Ala1081Val; replaces alanine 1081 with valine.
Molecular consequence: missense variant.
Genome position (GRCh38, 1-based): chr17:61,683,804, G>A on the plus strand (C>T on the coding strand, the complement: BRIP1 is on the minus strand). VCF-style: chr17-61683804-G-A. GRCh37 (hg19) VCF-style: chr17-59761165-G-A.
Other names: short protein forms A1081V.
Identifiers: ClinVar variation 496484 (VCV000496484.6), dbSNP rs1555572749, ClinGen allele CA400479154.
Genomic context (GRCh38, chr17:61,683,804, plus strand): 5'-GGATCCAGGGCTTCTTCAGAACAGAGCGGATGTTCAGAATGATTTTTTCTAGTAAGGGTG[G>A]CATCAATCTTTAATGATGAAATAATGGTTTCTGATTGAGGGCATGATCCAAACGATGTGT-3'
Protein context (NP_114432.2, residues 1071-1091): ETIISSLKID[Ala1081Val]TLTRKNHSEH

ClinVar aggregate classification (germline): Uncertain significance. Review status: criteria provided, multiple submitters, no conflicts (2 of 4 stars). 3 submissions from 3 submitters: Uncertain significance (3). Last evaluated 2023-06-09.

Conditions:
Hereditary cancer-predisposing syndrome. Also called: Tumor predisposition; Hereditary neoplastic syndrome; Neoplastic Syndromes, Hereditary; Hereditary Cancer Syndrome. Identifiers: Orphanet 140162, MedGen C0027672, MeSH D009386, MONDO:0015356.
Familial cancer of breast. Also called: hereditary breast carcinoma; BREAST CANCER, FAMILIAL; Hereditary breast cancer. Identifiers: Orphanet 227535, MedGen C0346153, MONDO:0016419, OMIM 114480. Disease mechanism: loss of function.
Fanconi anemia complementation group J. Also called: BRIP1-Related Fanconi Anemia. Identifiers: Orphanet 84, MedGen C1836860, MONDO:0012187, OMIM 609054.

Allele frequency attached by ClinVar (database versions not stated): TOPMed below 0.00001.

Submissions (3):

Labcorp Genetics (formerly Invitae), Labcorp
Classification: Uncertain significance for Familial cancer of breast; Fanconi anemia complementation group J. Last evaluated: 2023-06-09. Review status: criteria provided, single submitter. Criteria: Invitae Variant Classification Sherloc (09022015). Collection method: clinical testing. Allele origin: germline.
Comment: In summary, the available evidence is currently insufficient to determine the role of this variant in disease. Therefore, it has been classified as a Variant of Uncertain Significance. An algorithm developed to predict the effect of missense changes on protein structure and function (PolyPhen-2) suggests that this variant is likely to be tolerated. ClinVar contains an entry for this variant (Variation ID: 496484). This variant has not been reported in the literature in individuals affected with BRIP1-related conditions. This variant is not present in population databases (gnomAD no frequency). This sequence change replaces alanine, which is neutral and non-polar, with valine, which is neutral and non-polar, at codon 1081 of the BRIP1 protein (p.Ala1081Val).

Ambry Genetics
Classification: Uncertain significance for Hereditary cancer-predisposing syndrome. Last evaluated: 2023-06-01. Review status: criteria provided, single submitter. Criteria: Ambry Variant Classification Scheme 2023. Collection method: clinical testing. Allele origin: germline.
Comment: The p.A1081V variant (also known as c.3242C>T), located in coding exon 19 of the BRIP1 gene, results from a C to T substitution at nucleotide position 3242. The alanine at codon 1081 is replaced by valine, an amino acid with similar properties. This amino acid position is conserved. In addition, this alteration is predicted to be tolerated by in silico analysis. Since supporting evidence is limited at this time, the clinical significance of this alteration remains unclear.

Women's Health and Genetics/Laboratory Corporation of America, LabCorp
Classification: Uncertain significance. Last evaluated: 2017-06-16. Review status: criteria provided, single submitter. Criteria: LabCorp Variant Classification Summary - May 2015. Collection method: clinical testing. Allele origin: germline.
Comment: Variant summary: The BRIP1 c.3242C>T (p.Ala1081Val) variant causes a missense change involving the alteration of a non-conserved nucleotide. 3/4 in silico tools predict a benign outcome for this variant (SNPsandGO not available). The variant of interest is located outside of any known functional domain or repeat. The variant of interest has not been found in a large, broad control population, ExAC in 121194 control chromosomes. The variant of interest has not, to our knowledge, been reported in affected individuals via publications and/or reputable databases/clinical diagnostic laboratories; nor evaluated for functional impact by in vivo/vitro studies. Because of the absence of clinical information and the lack of functional studies, the variant is classified as a variant of uncertain significance (VUS).